The following is an entry in ClinVar:

ClinVar aggregate classification (germline): Conflicting classifications of pathogenicity. Review status: criteria provided, conflicting classifications (1 of 4 stars). 4 submissions from 4 submitters: Uncertain significance (2); Likely benign (1). 1 of the submissions does not count toward it. Last evaluated 2025-07-31.

Conditions:
Dyskeratosis congenita, autosomal recessive 5 (DKCB5). Identifiers: MedGen C3554656, MONDO:0014076, OMIM 615190.
Pulmonary fibrosis and/or bone marrow failure, Telomere-related, 3. Also called: PULMONARY FIBROSIS AND/OR BONE MARROW FAILURE SYNDROME, TELOMERE-RELATED, 3. Identifiers: Orphanet 2032, MedGen C4225346, MONDO:0014613, OMIM 616373.
Dyskeratosis congenita. Identifiers: Orphanet 1775, MedGen C0265965, MONDO:0015780.

Allele frequency attached by ClinVar (database versions not stated): gnomAD 0.00001; ExAC 0.00002; gnomAD exomes 0.00002 and 0.00003; TOPMed 0.00002.
gnomAD v4.1: 23 of 1,613,774 alleles (0.0014%); highest among the groups gnomAD compares: African/African-American, 0.0027%; no homozygotes.

Submissions (4):

Labcorp Genetics (formerly Invitae), Labcorp
Classification: Likely benign for Dyskeratosis congenita, autosomal recessive 5; Pulmonary fibrosis and/or bone marrow failure, Telomere-related, 3. Last evaluated: 2025-07-31. Review status: criteria provided, single submitter. Criteria: Invitae Variant Classification Sherloc (09022015). Collection method: clinical testing. Allele origin: germline.

Women's Health and Genetics/Laboratory Corporation of America, LabCorp
Classification: Uncertain significance. Last evaluated: 2025-04-30. Review status: criteria provided, single submitter. Criteria: LabCorp Variant Classification Summary - May 2015. Collection method: clinical testing. Allele origin: germline.
Comment: Variant summary: RTEL1 c.611-6C>A alters a non-conserved nucleotide located at a position not widely known to affect splicing. Several computational tools predict a significant impact on normal splicing: One predicts the variant has no significant impact on splicing. Whereas two predict the variant weakens the canonical 3' acceptor site and one predicts the variant abolishes the 3' acceptor site. However, these predictions have yet to be confirmed by functional studies. The variant allele was found at a frequency of 1.6e-05 in 251166 control chromosomes. The available data on variant occurrences in the general population are insufficient to allow any conclusion about variant significance. To our knowledge, no occurrence of c.611-6C>A in individuals affected with Dyskeratosis Congenita (Hoyeraal Hreidarsson Syndrome) and no experimental evidence demonstrating its impact on protein function have been reported. ClinVar contains an entry for this variant (Variation ID: 937455). Based on the evidence outlined above, the variant was classified as uncertain significance.

Sema4
Classification: Uncertain significance for Dyskeratosis congenita. Last evaluated: 2022-01-04. Review status: criteria provided, single submitter. Criteria: Sema4 Curation Guidelines. Collection method: curation. Allele origin: germline.
Comment: The RTEL1 c.539-6C>A variant has not been reported in the literature to our knowledge. It was observed in 5/282538 chromosomes across the large and broad cohorts of the Genome Aggregation Database (PMID: 32461654). The variant has been reported in ClinVar (Variation ID 937455). In silico tools suggest that the variant may have an impact on splicing, though these predictions have not been confirmed by functional studies. The evidence is insufficient to meet ACMG/AMP criteria for classifying the variant as benign or pathogenic. Thus, the clinical significance of this variant is currently uncertain.

Natera, Inc.
Classification: Uncertain significance for Dyskeratosis congenita. Last evaluated: 2020-03-11. Review status: no assertion criteria provided. Collection method: clinical testing. Allele origin: germline. Not counted in ClinVar's aggregate classification.

NM_001283009.2(RTEL1):c.539-6C>A

Genes: RTEL1 (regulator of telomere elongation helicase 1; plus strand), RTEL1-TNFRSF6B (RTEL1-TNFRSF6B readthrough (NMD candidate); plus strand). Cytogenetic location: 20q13.33.
Variant type: single nucleotide variant.
Coding change: c.539-6C>A on transcript NM_001283009.2 (MANE Select); 6 bases into the intron before coding-DNA position 539, C replaced by A.
Molecular consequence: intron variant.
Genome position (GRCh38, 1-based): chr20:63,665,998, C>A. VCF-style: chr20-63665998-C-A. GRCh37 (hg19) VCF-style: chr20-62297351-C-A.
Other names: c.-131-6C>A (NM_001283010.1); c.611-6C>A (NM_032957.5); c.539-6C>A (NM_016434.4).
Identifiers: ClinVar variation 937455 (VCV000937455.11), dbSNP rs778544732, ClinGen allele CA9964335.